The following is an entry in ClinVar:

ClinVar aggregate classification (germline): Uncertain significance (1 of 4 stars; one submission).

Submission:

CeGaT Center for Human Genetics Tuebingen
Classification: Uncertain significance. Last evaluated: 2025-10-01. Review status: criteria provided, single submitter. Criteria: CeGaT Center For Human Genetics Tuebingen Variant Classification Criteria Version 2. Collection method: clinical testing. Allele origin: germline. Affected: yes. Observed: 1 variant allele.
Comment: CCND2: PM2, BP4

NM_001759.4(CCND2):c.810G>C (p.Lys270Asn)

Gene: CCND2 (cyclin D2; plus strand). Cytogenetic location: 12p13.32.
Variant type: single nucleotide variant.
Coding change: c.810G>C on transcript NM_001759.4 (MANE Select); coding-DNA position 810, G replaced by C.
Protein change: p.Lys270Asn; replaces lysine 270 with asparagine.
Molecular consequence: missense variant.
Genome position (GRCh38, 1-based): chr12:4,299,949, G>C. VCF-style: chr12-4299949-G-C. GRCh37 (hg19) VCF-style: chr12-4409115-G-C.
Other names: short protein forms K270N.
Identifiers: ClinVar variation 4535098 (VCV004535098.6).